The following is an entry in ClinVar:

NM_001041.4(SI):c.713T>C (p.Ile238Thr)

Gene: SI (sucrase-isomaltase; minus strand). Cytogenetic location: 3q26.1.
Variant type: single nucleotide variant.
Coding change: c.713T>C on transcript NM_001041.4 (MANE Select); coding-DNA position 713, T replaced by C.
Protein change: p.Ile238Thr; replaces isoleucine 238 with threonine.
Molecular consequence: missense variant.
Genome position (GRCh38, 1-based): chr3:165,065,355, A>G on the plus strand (T>C on the coding strand, the complement: SI is on the minus strand). VCF-style: chr3-165065355-A-G. GRCh37 (hg19) VCF-style: chr3-164783143-A-G.
Other names: short protein forms I238T.
Identifiers: ClinVar variation 1504677 (VCV001504677.6), dbSNP rs2108258544, ClinGen allele CA355032782.

ClinVar aggregate classification (germline): Uncertain significance (1 of 4 stars; one submission).

Allele frequency attached by ClinVar (database versions not stated): gnomAD exomes 0.00001.
gnomAD v4.1: 9 of 1,595,666 alleles (0.00056%); highest among the groups gnomAD compares: Non-Finnish European, 0.00077%; no homozygotes.

Submission:

Labcorp Genetics (formerly Invitae), Labcorp
Classification: Uncertain significance. Last evaluated: 2021-10-11. Review status: criteria provided, single submitter. Criteria: Invitae Variant Classification Sherloc (09022015). Collection method: clinical testing. Allele origin: germline.
Comment: In summary, the available evidence is currently insufficient to determine the role of this variant in disease. Therefore, it has been classified as a Variant of Uncertain Significance. Advanced modeling of protein sequence and biophysical properties (such as structural, functional, and spatial information, amino acid conservation, physicochemical variation, residue mobility, and thermodynamic stability) performed at Invitae indicates that this missense variant is expected to disrupt SI protein function. This variant has not been reported in the literature in individuals affected with SI-related conditions. This variant is not present in population databases (ExAC no frequency). This sequence change replaces isoleucine with threonine at codon 238 of the SI protein (p.Ile238Thr). The isoleucine residue is moderately conserved and there is a moderate physicochemical difference between isoleucine and threonine.